The following is an entry in ClinVar:

NM_015046.7(SETX):c.167T>C (p.Phe56Ser)

Gene: SETX (senataxin; minus strand). Cytogenetic location: 9q34.13.
Variant type: single nucleotide variant.
Coding change: c.167T>C on transcript NM_015046.7 (MANE Select); coding-DNA position 167, T replaced by C.
Protein change: p.Phe56Ser; replaces phenylalanine 56 with serine.
Molecular consequence: missense variant.
Genome position (GRCh38, 1-based): chr9:132,349,262, A>G on the plus strand (T>C on the coding strand, the complement: SETX is on the minus strand). VCF-style: chr9-132349262-A-G. GRCh37 (hg19) VCF-style: chr9-135224649-A-G.
Other names: c.167T>C, p.Phe56Ser (NM_001351527.2, NM_001351528.2); short protein forms F56S.
Identifiers: ClinVar variation 851698 (VCV000851698.10), dbSNP rs1032816797, ClinGen allele CA200838130.
Genomic context (GRCh38, chr9:132,349,262, plus strand): 5'-CTTCCCAGCTATCAAGCTCTGAAAAATATTGCCCATCTAATATATTTTACCTCATGCAAG[A>G]ATGGCAATTCATCTCTTGCTTTGTGGTACTCAGCCACACACTCCAAGCAGTAGCAGAGGT-3'
Protein context (NP_055861.3, residues 46-66): EYHKARDELP[Phe56Ser]LHEVLWELET

ClinVar aggregate classification (germline): Uncertain significance (1 of 4 stars; one submission).

Conditions:
Amyotrophic lateral sclerosis type 4 (ALS4). Also called: AMYOTROPHIC LATERAL SCLEROSIS 4, JUVENILE; NEURONOPATHY, DISTAL HEREDITARY MOTOR, WITH PYRAMIDAL FEATURES. Identifiers: Orphanet 357043, MedGen C1865409, MONDO:0011223, OMIM 602433.
Spinocerebellar ataxia, autosomal recessive, with axonal neuropathy 2 (SCAN2). Also called: ATAXIA-OCULOMOTOR APRAXIA 2; Ataxia with Oculomotor Apraxia; Ataxia-ocular apraxia-2; Ataxia with Oculomotor Apraxia Type 2. Identifiers: Orphanet 64753, MedGen C1853761, MONDO:0018996, OMIM 606002.

Allele frequency attached by ClinVar (database versions not stated): gnomAD exomes below 0.00001; gnomAD 0.00001; TOPMed 0.00001.
gnomAD v4.1: 9 of 1,613,978 alleles (0.00056%); highest among the groups gnomAD compares: Non-Finnish European, 0.00068%; no homozygotes.

Submission:

Labcorp Genetics (formerly Invitae), Labcorp
Classification: Uncertain significance for Amyotrophic lateral sclerosis type 4; Spinocerebellar ataxia, autosomal recessive, with axonal neuropathy 2. Last evaluated: 2024-08-20. Review status: criteria provided, single submitter. Criteria: Invitae Variant Classification Sherloc (09022015). Collection method: clinical testing. Allele origin: germline.
Comment: This sequence change replaces phenylalanine, which is neutral and non-polar, with serine, which is neutral and polar, at codon 56 of the SETX protein (p.Phe56Ser). This variant is not present in population databases (gnomAD no frequency). This variant has not been reported in the literature in individuals affected with SETX-related conditions. ClinVar contains an entry for this variant (Variation ID: 851698). Invitae Evidence Modeling of protein sequence and biophysical properties (such as structural, functional, and spatial information, amino acid conservation, physicochemical variation, residue mobility, and thermodynamic stability) indicates that this missense variant is not expected to disrupt SETX protein function with a negative predictive value of 95%. In summary, the available evidence is currently insufficient to determine the role of this variant in disease. Therefore, it has been classified as a Variant of Uncertain Significance.